The following is an entry in ClinVar:

NC_000005.9:g.(?_86564269)_(86564827_?)dup

Gene: RASA1 (RAS p21 protein activator 1; plus strand). Cytogenetic location: 5q14.3.
Variant type: Duplication.
Identifiers: ClinVar variation 2424565 (VCV002424565.5).

ClinVar aggregate classification (germline): Uncertain significance (1 of 4 stars; one submission).

Conditions:
Capillary malformation-arteriovenous malformation syndrome. Also called: Capillary malformation-arteriovenous malformation. Identifiers: Orphanet 137667, MedGen C1842180, MONDO:0012016.

Submission:

Labcorp Genetics (formerly Invitae), Labcorp
Classification: Uncertain significance for Capillary malformation-arteriovenous malformation syndrome. Last evaluated: 2022-06-07. Review status: criteria provided, single submitter. Criteria: Invitae Variant Classification Sherloc (09022015). Collection method: clinical testing. Allele origin: germline.
Comment: In summary, the available evidence is currently insufficient to determine the role of this variant in disease. Therefore, it has been classified as a Variant of Uncertain Significance. This variant has not been reported in the literature in individuals affected with RASA1-related conditions. This variant results in a copy number gain of the genomic region encompassing exon(s) 1 of the RASA1 gene. This region includes the initiator codon of the gene. This copy number gain extends beyond the assayed region for this gene and therefore may encompass additional genes. As the precise location of this event is unknown, it may be in tandem or it may be located elsewhere in the genome.